The following is an entry in ClinVar:

NM_002734.5(PRKAR1A):c.596G>A (p.Ser199Asn)

Gene: PRKAR1A (protein kinase cAMP-dependent type I regulatory subunit alpha; plus strand). Cytogenetic location: 17q24.2.
Variant type: single nucleotide variant.
Coding change: c.596G>A on transcript NM_002734.5 (MANE Select); coding-DNA position 596, G replaced by A.
Protein change: p.Ser199Asn; replaces serine 199 with asparagine.
Molecular consequence: missense variant.
Genome position (GRCh38, 1-based): chr17:68,525,800, G>A. VCF-style: chr17-68525800-G-A. GRCh37 (hg19) VCF-style: chr17-66521941-G-A.
Other names: c.596G>A, p.Ser199Asn (NM_001276289.2, NM_001276290.1, NM_001278433.2 and 4 more transcripts); short protein forms S199N.
Identifiers: ClinVar variation 469069 (VCV000469069.17), dbSNP rs755798109, ClinGen allele CA8729323.
Genomic context (GRCh38, chr17:68,525,800, plus strand): 5'-CACTTGCACTTTAGGTCTATGTTAACAATGAATGGGCAACCAGTGTTGGGGAAGGAGGGA[G>A]CTTTGGAGAACTTGCTTTGATTTATGGAACACCGAGAGCAGCCACTGTCAAAGCAAAGAC-3'
Protein context (NP_002725.1, residues 189-209): EWATSVGEGG[Ser199Asn]FGELALIYGT

ClinVar aggregate classification (germline): Conflicting classifications of pathogenicity. Review status: criteria provided, conflicting classifications (1 of 4 stars). 5 submissions from 5 submitters: Uncertain significance (4); Likely benign (1). Last evaluated 2025-12-24.

Conditions:
Hereditary cancer-predisposing syndrome. Also called: Neoplastic Syndromes, Hereditary; Tumor predisposition; Hereditary Cancer Syndrome; Hereditary neoplastic syndrome. Identifiers: Orphanet 140162, MedGen C0027672, MeSH D009386, MONDO:0015356.
Acrodysostosis 1 with or without hormone resistance (ACRDYS1). Also called: ACRODYSOSTOSIS WITH HORMONE RESISTANCE; ACRODYSOSTOSIS 1 WITH HORMONE RESISTANCE; ACRODYSOSTOSIS 1 WITHOUT HORMONE RESISTANCE. Identifiers: Orphanet 280651, MedGen C3276228, MONDO:0007044, OMIM 101800.
PRKAR1A-related disorder. Also called: PRKAR1A-related condition.
Carney complex, type 1 (CNC1). Also called: CARNEY MYXOMA-ENDOCRINE COMPLEX; CARNEY COMPLEX, TYPE I. Identifiers: Orphanet 1359, MedGen C2607929, MONDO:0008057, OMIM 160980.

Allele frequency attached by ClinVar (database versions not stated): gnomAD exomes 0.00001 and 0.00002; ExAC 0.00002; gnomAD 0.00005 and 0.00006; TOPMed 0.00005.
gnomAD v4.1: 16 of 1,613,796 alleles (0.00099%); highest among the groups gnomAD compares: African/African-American, 0.021%; no homozygotes.

Submissions (5):

Labcorp Genetics (formerly Invitae), Labcorp
Classification: Uncertain significance for Carney complex, type 1. Last evaluated: 2025-12-24. Review status: criteria provided, single submitter. Criteria: Invitae Variant Classification Sherloc (09022015). Collection method: clinical testing. Allele origin: germline.
Comment: This sequence change replaces serine, which is neutral and polar, with asparagine, which is neutral and polar, at codon 199 of the PRKAR1A protein (p.Ser199Asn). This variant is present in population databases (rs755798109, gnomAD 0.03%). This missense change has been observed in individual(s) with prolactinoma (PMID: 34313605). ClinVar contains an entry for this variant (Variation ID: 469069). Invitae Evidence Modeling of protein sequence and biophysical properties (such as structural, functional, and spatial information, amino acid conservation, physicochemical variation, residue mobility, and thermodynamic stability) indicates that this missense variant is expected to disrupt PRKAR1A protein function with a positive predictive value of 80%. In summary, the available evidence is currently insufficient to determine the role of this variant in disease. Therefore, it has been classified as a Variant of Uncertain Significance.

Baylor Genetics
Classification: Uncertain significance for Acrodysostosis 1 with or without hormone resistance. Last evaluated: 2023-10-02. Review status: criteria provided, single submitter. Criteria: ACMG Guidelines, 2015. Collection method: clinical testing. Allele origin: unknown.

PreventionGenetics, part of Exact Sciences
Classification: Uncertain significance for PRKAR1A-related condition. Last evaluated: 2022-10-19. Review status: criteria provided, single submitter. Criteria: ACMG Guidelines, 2015. Collection method: clinical testing. Allele origin: germline.
Comment: The PRKAR1A c.596G>A variant is predicted to result in the amino acid substitution p.Ser199Asn. This variant was reported in an individual with a pituitary adenoma (Martínez de LaPiscina et al 2021. PubMed ID: 34313605). This variant is reported in 0.025% of alleles in individuals of African descent in gnomAD. It is classified as a variant of uncertain significance in ClinVar. At this time, the clinical significance of this variant is uncertain due to the absence of conclusive functional and genetic evidence.

Ambry Genetics
Classification: Likely benign for Hereditary cancer-predisposing syndrome. Last evaluated: 2022-08-31. Review status: criteria provided, single submitter. Criteria: Ambry Variant Classification Scheme 2023. Collection method: clinical testing. Allele origin: germline.

AiLife Diagnostics
Classification: Uncertain significance. Last evaluated: 2021-09-22. Review status: criteria provided, single submitter. Criteria: ACMG Guidelines, 2015. Collection method: clinical testing. Allele origin: germline. Affected: yes. Observed: 1 variant allele.

Literature cited by the submitters: PubMed 34313605 (cited by Labcorp Genetics (formerly Invitae), Labcorp).